The following is an entry in ClinVar:

NM_001040716.2(PC):c.1042C>T (p.Gln348Ter)

Gene: PC (pyruvate carboxylase; minus strand). Cytogenetic location: 11q13.2.
Variant type: single nucleotide variant.
Coding change: c.1042C>T on transcript NM_001040716.2 (MANE Select); coding-DNA position 1042, C replaced by T.
Protein change: p.Gln348Ter; replaces glutamine 348 with a stop codon.
Molecular consequence: nonsense.
Genome position (GRCh38, 1-based): chr11:66,866,330, G>A on the plus strand (C>T on the coding strand, the complement: PC is on the minus strand). VCF-style: chr11-66866330-G-A. GRCh37 (hg19) VCF-style: chr11-66633801-G-A.
Other names: c.1042C>T, p.Gln348Ter (NM_000920.4, NM_022172.3); short protein forms Q348*.
Identifiers: ClinVar variation 1073534 (VCV001073534.7), dbSNP rs2135917452, ClinGen allele CA381499684.
Genomic context (GRCh38, chr11:66,866,330, plus strand): 5'-GGATGTTCTCCTGCCGCAGGCCCAGGTCGGGTAGGCTCCTGCCCTCAGCCACGTGGATCT[G>A]AGCATGGACCAGGTCTACGCTGTAGGGCATTGGGGGGAGGGGGGAAAGGACGGGAGAAAG-3'

ClinVar aggregate classification (germline): Pathogenic (1 of 4 stars; one submission).

Conditions:
Pyruvate carboxylase deficiency. Also called: PC DEFICIENCY; ATAXIA WITH LACTIC ACIDOSIS II; LEIGH NECROTIZING ENCEPHALOPATHY DUE TO PYRUVATE CARBOXYLASE DEFICIENCY; LEIGH SYNDROME DUE TO PYRUVATE CARBOXYLASE DEFICIENCY; Pyruvate Carboxylase Deficiency Disease. Identifiers: Orphanet 3008, MedGen C0034341, MONDO:0009949, OMIM 266150.

Submission:

Labcorp Genetics (formerly Invitae), Labcorp
Classification: Pathogenic for Pyruvate carboxylase deficiency. Last evaluated: 2020-04-02. Review status: criteria provided, single submitter. Criteria: Invitae Variant Classification Sherloc (09022015). Collection method: clinical testing. Allele origin: germline.
Comment: This variant is not present in population databases (ExAC no frequency). For these reasons, this variant has been classified as Pathogenic. Loss-of-function variants in PC are known to be pathogenic (PMID: 12112657, 19306334). This variant has not been reported in the literature in individuals with PC-related conditions. This sequence change creates a premature translational stop signal (p.Gln348*) in the PC gene. It is expected to result in an absent or disrupted protein product.

Literature cited by the submitters: PubMed 12112657; PubMed 19306334.